The following is an entry in ClinVar:

NM_000486.6(AQP2):c.360+5G>T

Gene: AQP2 (aquaporin 2; plus strand). Cytogenetic location: 12q13.12.
Variant type: single nucleotide variant.
Coding change: c.360+5G>T on transcript NM_000486.6 (MANE Select); 5 bases into the intron after coding-DNA position 360, G replaced by T.
Molecular consequence: intron variant.
Genome position (GRCh38, 1-based): chr12:49,951,195, G>T. VCF-style: chr12-49951195-G-T. GRCh37 (hg19) VCF-style: chr12-50344978-G-T.
Other names: NC_000012.11:g.50344978G>T.
Identifiers: ClinVar variation 1526044 (VCV001526044.2), dbSNP rs775237038, ClinGen allele CA6559209.

ClinVar aggregate classification (germline): Uncertain significance (1 of 4 stars; one submission).

Conditions:
Diabetes insipidus, nephrogenic, autosomal (NDI2). Also called: Nephrogenic Diabetes Insipidus, Type II; Diabetes insipidus, nephrogenic, 2, autosomal. Identifiers: Orphanet 223, MedGen C1563706, MONDO:0007451, OMIM 125800.

Allele frequency attached by ClinVar (database versions not stated): ExAC 0.00036.

Submissions (2):

3billion
Classification: Uncertain significance for Diabetes insipidus, nephrogenic, autosomal. Last evaluated: 2022-03-22. Review status: criteria provided, single submitter. Criteria: ACMG Guidelines, 2015. Collection method: clinical testing. Allele origin: germline. Affected: yes. Observed: 1 heterozygote.
Comment: The variant is observed at an extremely low frequency in the gnomAD v2.1.1 dataset (total allele frequency:0.0001253). Therefore, this variant is classified as uncertain significance according to the recommendation of ACMG/AMP guideline.

Dr. Peter K. Rogan Lab, Western University
No classification provided (evidence only). Condition: Cervical cancer. Review status: no classification provided. Collection method: in vitro. Allele origin: not applicable. Functional consequence: retained intron. Not counted in ClinVar's aggregate classification.